The following is an entry in ClinVar:

NM_198053.3(CD247):c.301C>A (p.Gln101Lys)

Gene: CD247 (CD247 molecule; minus strand). Cytogenetic location: 1q24.2.
Variant type: single nucleotide variant.
Coding change: c.301C>A on transcript NM_198053.3 (MANE Select); coding-DNA position 301, C replaced by A.
Protein change: p.Gln101Lys; replaces glutamine 101 with lysine.
Molecular consequence: missense variant. On other transcripts: intron variant (2).
Genome position (GRCh38, 1-based): chr1:167,435,434, G>T on the plus strand (C>A on the coding strand, the complement: CD247 is on the minus strand). VCF-style: chr1-167435434-G-T. GRCh37 (hg19) VCF-style: chr1-167404671-G-T.
Other names: c.394C>A, p.Gln132Lys (NM_001378515.1); c.301-3C>A (NM_000734.4); c.394-3C>A (NM_001378516.1); short protein forms Q101K, Q132K.
Identifiers: ClinVar variation 3336382 (VCV003336382.1).

ClinVar aggregate classification (germline): Uncertain significance (1 of 4 stars; one submission).

Submission:

Women's Health and Genetics/Laboratory Corporation of America, LabCorp
Classification: Uncertain significance. Last evaluated: 2024-05-24. Review status: criteria provided, single submitter. Criteria: LabCorp Variant Classification Summary - May 2015. Collection method: clinical testing. Allele origin: germline.
Comment: Variant summary: CD247 c.301C>A (p.Gln101Lys) results in a conservative amino acid change in the encoded protein sequence. Three of five in-silico tools predict a benign effect of the variant on protein function. Consensus agreement among computation tools predict no significant impact on normal splicing. However, these predictions have yet to be confirmed by functional studies. The variant allele was found at a frequency of 4e-06 in 250742 control chromosomes. The available data on variant occurrences in the general population are insufficient to allow any conclusion about variant significance. To our knowledge, no occurrence of c.301C>A in individuals affected with Severe Combined Immunodeficiency and no experimental evidence demonstrating its impact on protein function have been reported. No submitters have cited clinical-significance assessments for this variant to ClinVar. Based on the evidence outlined above, the variant was classified as uncertain significance.